The following is an entry in ClinVar:

ClinVar aggregate classification (germline): Uncertain significance. Review status: criteria provided, multiple submitters, no conflicts (2 of 4 stars). 2 submissions from 2 submitters: Uncertain significance (2). Last evaluated 2024-03-28.

Conditions:
Inborn genetic diseases. Identifiers: MedGen C0950123, MeSH D030342.
Amelocerebrohypohidrotic syndrome (KTZS). Also called: EPILEPSY AND YELLOW TEETH; EPILEPSY, DEMENTIA, AND AMELOGENESIS IMPERFECTA; KOHLSCHUTTER SYNDROME; Kohlschutter's syndrome. Identifiers: Orphanet 1946, MedGen C0406740, MONDO:0009185, OMIM 226750.

Allele frequency attached by ClinVar (database versions not stated): gnomAD exomes 0.00006; TOPMed 0.00007; gnomAD 0.00011; ESP Exome Variant Server 0.00016; ExAC 0.00021.
gnomAD v4.1: 84 of 1,557,820 alleles (0.0054%); highest among the groups gnomAD compares: East Asian, 0.0092%; no homozygotes.

Submissions (2):

Ambry Genetics
Classification: Uncertain significance for Inborn genetic diseases. Last evaluated: 2024-03-28. Review status: criteria provided, single submitter. Criteria: Ambry Variant Classification Scheme 2023. Collection method: clinical testing. Allele origin: germline.

Labcorp Genetics (formerly Invitae), Labcorp
Classification: Uncertain significance for Amelocerebrohypohidrotic syndrome. Last evaluated: 2023-11-27. Review status: criteria provided, single submitter. Criteria: Invitae Variant Classification Sherloc (09022015). Collection method: clinical testing. Allele origin: germline.
Comment: This sequence change replaces glycine, which is neutral and non-polar, with serine, which is neutral and polar, at codon 175 of the ROGDI protein (p.Gly175Ser). This variant is present in population databases (rs376116493, gnomAD 0.01%). This variant has not been reported in the literature in individuals affected with ROGDI-related conditions. ClinVar contains an entry for this variant (Variation ID: 850441). An algorithm developed to predict the effect of missense changes on protein structure and function (PolyPhen-2) suggests that this variant¬†is likely to be tolerated. In summary, the available evidence is currently insufficient to determine the role of this variant in disease. Therefore, it has been classified as a Variant of Uncertain Significance.

NM_024589.3(ROGDI):c.523G>A (p.Gly175Ser)

Gene: ROGDI (rogdi atypical leucine zipper; minus strand). Cytogenetic location: 16p13.3.
Variant type: single nucleotide variant.
Coding change: c.523G>A on transcript NM_024589.3 (MANE Select); coding-DNA position 523, G replaced by A.
Protein change: p.Gly175Ser; replaces glycine 175 with serine.
Molecular consequence: missense variant. On other transcripts: non-coding transcript variant (1).
Genome position (GRCh38, 1-based): chr16:4,798,577, C>T on the plus strand (G>A on the coding strand, the complement: ROGDI is on the minus strand). VCF-style: chr16-4798577-C-T. GRCh37 (hg19) VCF-style: chr16-4848578-C-T.
Other names: c.523G>A (NM_024589.1); short protein forms G175S.
Identifiers: ClinVar variation 850441 (VCV000850441.6), dbSNP rs376116493, ClinGen allele CA7882681.
Genomic context (GRCh38, chr16:4,798,577, plus strand): 5'-GGACCCACTGTGGGACCCCTCTCCTGCAGCAGGGGCTGGCAGGGGCACTGACCGTGAGGC[C>T]GCTGGCGGCGATCTCGGGGAGGGTGAGGGTGGCGGGGGTGGTGAGCCGGTTTCGGGCTCT-3'
Protein context (NP_078865.1, residues 165-185): TLTLPEIAAS[Gly175Ser]LTRMFAPALP